The following is an entry in ClinVar:

ClinVar aggregate classification (germline): Benign/Likely benign. Review status: criteria provided, multiple submitters, no conflicts (2 of 4 stars). 4 submissions from 4 submitters: Benign (1); Likely benign (3). Last evaluated 2026-04-01.

Allele frequency attached by ClinVar (database versions not stated): TOPMed 0.00004; ExAC 0.00008; gnomAD 0.00013; ESP Exome Variant Server 0.00015; 1000 Genomes Project 0.00020; 1000 Genomes Project 30x 0.00031.

Submissions (4):

CeGaT Center for Human Genetics Tuebingen
Classification: Likely benign. Last evaluated: 2026-04-01. Review status: criteria provided, single submitter. Criteria: CeGaT Center For Human Genetics Tuebingen Variant Classification Criteria Version 2. Collection method: clinical testing. Allele origin: germline. Affected: yes. Observed: 1 variant allele.
Comment: EEF2: BP4, BP7

Labcorp Genetics (formerly Invitae), Labcorp
Classification: Likely benign. Last evaluated: 2024-10-17. Review status: criteria provided, single submitter. Criteria: Invitae Variant Classification Sherloc (09022015). Collection method: clinical testing. Allele origin: germline.

Athena Diagnostics
Classification: Benign. Last evaluated: 2023-11-09. Review status: criteria provided, single submitter. Criteria: Athena Diagnostics Criteria. Collection method: clinical testing. Allele origin: unknown.

Blueprint Genetics
Classification: Likely benign. Last evaluated: 2021-03-05. Review status: criteria provided, single submitter. Criteria: ACMG Guidelines, 2015. Collection method: clinical testing. Allele origin: germline.

NM_001961.4(EEF2):c.2313C>T (p.Phe771=)

Gene: EEF2 (eukaryotic translation elongation factor 2; minus strand). Cytogenetic location: 19p13.3.
Variant type: single nucleotide variant.
Coding change: c.2313C>T on transcript NM_001961.4 (MANE Select); coding-DNA position 2313, C replaced by T.
Protein change: p.Phe771=; no amino-acid change (phenylalanine 771 retained).
Molecular consequence: synonymous variant.
Genome position (GRCh38, 1-based): chr19:3,977,285, G>A on the plus strand (C>T on the coding strand, the complement: EEF2 is on the minus strand). VCF-style: chr19-3977285-G-A. GRCh37 (hg19) VCF-style: chr19-3977283-G-A.
Other names: c.2313C>T (NM_001961.3).
Identifiers: ClinVar variation 2887540 (VCV002887540.7), dbSNP rs140987549, ClinGen allele CA9088581.